The following is an entry in ClinVar:

ClinVar aggregate classification (germline): Uncertain significance (1 of 4 stars; one submission).

Conditions:
Early-infantile DEE. Also called: Early infantile epileptic encephalopathy; Ohtahara syndrome; Early infantile epileptic encephalopathy with suppression bursts. Identifiers: Orphanet 1934, MedGen C0393706, MONDO:0800491.

Allele frequency attached by ClinVar (database versions not stated): TOPMed 0.00001.

Submission:

Labcorp Genetics (formerly Invitae), Labcorp
Classification: Uncertain significance for Early-infantile DEE. Last evaluated: 2024-11-16. Review status: criteria provided, single submitter. Criteria: Invitae Variant Classification Sherloc (09022015). Collection method: clinical testing. Allele origin: germline.
Comment: This sequence change falls in intron 20 of the SCN1A gene. It does not directly change the encoded amino acid sequence of the SCN1A protein. However, this sequence change falls within a region encompassing a cryptic exon in the SCN1A gene, in which variants have been shown to alter splicing (PMID: 30526861, 34107977). This variant is not present in population databases (gnomAD no frequency). This variant has not been reported in the literature in individuals affected with SCN1A-related conditions. ClinVar contains an entry for this variant (Variation ID: 2053356). Algorithms developed to predict the effect of sequence changes on RNA splicing suggest that this variant is not likely to affect RNA splicing. In summary, the available evidence is currently insufficient to determine the role of this variant in disease. Therefore, it has been classified as a Variant of Uncertain Significance.

Literature cited by the submitters: PubMed 30526861; PubMed 34107977.

NM_001165963.4(SCN1A):c.4002+2144C>T

Genes: SCN1A (sodium voltage-gated channel alpha subunit 1; minus strand), LOC102724058 (uncharacterized LOC102724058; plus strand). Cytogenetic location: 2q24.3.
Variant type: single nucleotide variant.
Coding change: c.4002+2144C>T on transcript NM_001165963.4 (MANE Select); 2144 bases into the intron after coding-DNA position 4002, C replaced by T.
Molecular consequence: intron variant.
Genome position (GRCh38, 1-based): chr2:166,007,575, G>A on the plus strand (C>T on the coding strand, the complement: SCN1A is on the minus strand). VCF-style: chr2-166007575-G-A. GRCh37 (hg19) VCF-style: chr2-166864085-G-A.
Other names: c.3918+2144C>T (NM_001353957.2, NM_001165964.3, NM_001353958.2); c.3969+2144C>T (NM_001353951.2, NM_001353952.2, NM_006920.6 and 2 more transcripts); c.4002+2144C>T (NM_001353948.2, NM_001202435.3); c.3915+2144C>T (NM_001353960.2); c.3966+2144C>T (NM_001353954.2, NM_001353955.2); c.1560+2144C>T (NM_001353961.2).
Identifiers: ClinVar variation 2053356 (VCV002053356.4), dbSNP rs1691826703, ClinGen allele CA1304846373.